The following is an entry in ClinVar:

NM_001142864.4(PIEZO1):c.4872A>G (p.Ala1624=)

Gene: PIEZO1 (piezo type mechanosensitive ion channel component 1 (Er blood group); minus strand). Cytogenetic location: 16q24.3.
Variant type: single nucleotide variant.
Coding change: c.4872A>G on transcript NM_001142864.4 (MANE Select); coding-DNA position 4872, A replaced by G.
Protein change: p.Ala1624=; no amino-acid change (alanine 1624 retained).
Molecular consequence: synonymous variant.
Genome position (GRCh38, 1-based): chr16:88,722,301, T>C on the plus strand (A>G on the coding strand, the complement: PIEZO1 is on the minus strand). VCF-style: chr16-88722301-T-C. GRCh37 (hg19) VCF-style: chr16-88788709-T-C.
Other names: p.Ala1624=.
Identifiers: ClinVar variation 727411 (VCV000727411.26), dbSNP rs35375982, ClinGen allele CA8232014.

ClinVar aggregate classification (germline): Benign/Likely benign. Review status: criteria provided, multiple submitters, no conflicts (2 of 4 stars). 5 submissions from 5 submitters: Benign (4); Likely benign (1). Last evaluated 2026-01-18.

Conditions:
Dehydrated hereditary stomatocytosis with or without pseudohyperkalemia and/or perinatal edema (DHS1). Also called: PSEUDOHYPERKALEMIA EDINBURGH; DEHYDRATED HEREDITARY STOMATOCYTOSIS AND PSEUDOHYPERKALEMIA; DEHYDRATED HEREDITARY STOMATOCYTOSIS WITH PSEUDOHYPERKALEMIA AND PERINATAL EDEMA; Pseudohyperkalemia, familial, 1, due to red cell leak; Dehydrated hereditary stomatocytosis 1 with or without pseudohyperkalemia and/or perinatal edema. Identifiers: Orphanet 3202, MedGen C4551512, MONDO:0008689, OMIM 194380.
Lymphatic malformation 6 (LMPHM6). Also called: PIEZO1-related generalized lymphatic dysplasia with non-immune hydrops fetalis; GENERALIZED LYMPHATIC DYSPLASIA OF FOTIOU; Lymphedema, hereditary, III. Identifiers: Orphanet 568062, MedGen C4225184, MONDO:0014797, OMIM 616843.

Allele frequency attached by ClinVar (database versions not stated): gnomAD exomes 0.00395; ExAC 0.00716; 1000 Genomes Project 0.00998; 1000 Genomes Project 30x 0.00999; ESP Exome Variant Server 0.01030; gnomAD 0.01145 and 0.01227; TOPMed 0.01328.
gnomAD v4.1: 4,213 of 1,548,280 alleles (0.27%); highest among the groups gnomAD compares: African/African-American, 3.8%; 82 homozygotes.

Submissions (5):

Labcorp Genetics (formerly Invitae), Labcorp
Classification: Benign. Last evaluated: 2026-01-18. Review status: criteria provided, single submitter. Criteria: Invitae Variant Classification Sherloc (09022015). Collection method: clinical testing. Allele origin: germline.

ARUP Laboratories, Molecular Genetics and Genomics, ARUP Laboratories
Classification: Benign. Last evaluated: 2025-05-09. Review status: criteria provided, single submitter. Criteria: ARUP Molecular Germline Variant Investigation Process 2024. Collection method: clinical testing. Allele origin: germline.

Mayo Clinic Laboratories, Mayo Clinic
Classification: Benign. Last evaluated: 2022-08-03. Review status: criteria provided, single submitter. Criteria: ACMG Guidelines, 2015. Collection method: clinical testing. Allele origin: germline. Observed: 44 variant alleles.
Comment: BS1, BS2

Fulgent Genetics
Classification: Likely benign for Dehydrated hereditary stomatocytosis with or without pseudohyperkalemia and/or perinatal edema; Lymphatic malformation 6. Last evaluated: 2021-09-27. Review status: criteria provided, single submitter. Criteria: ACMG Guidelines, 2015. Collection method: clinical testing. Allele origin: unknown.

Breakthrough Genomics
Classification: Benign. Review status: criteria provided, single submitter. Criteria: ACMG Guidelines, 2015. Collection method: not provided. Allele origin: germline. Inheritance: Autosomal recessive inheritance. Affected: yes.